The following is an entry in ClinVar:

ClinVar aggregate classification (germline): Pathogenic/Likely pathogenic. Review status: criteria provided, multiple submitters, no conflicts (2 of 4 stars). 3 submissions from 3 submitters: Pathogenic (1); Likely pathogenic (2). Last evaluated 2024-05-10.

Conditions:
Usher syndrome type 2A. Also called: USHER SYNDROME, TYPE IIA; RETINAL DISEASE IN USHER SYNDROME TYPE IIA, MODIFIER OF. Identifiers: Orphanet 231178, Orphanet 886, MedGen C1848634, MONDO:0010169, OMIM 276901.
Retinitis pigmentosa 39 (RP39). Identifiers: Orphanet 791, MedGen C3151138, MONDO:0013436, OMIM 613809.

Submissions (3):

Fulgent Genetics
Classification: Likely pathogenic for Usher syndrome type 2A; Retinitis pigmentosa 39. Last evaluated: 2024-05-10. Review status: criteria provided, single submitter. Criteria: ACMG Guidelines, 2015. Collection method: clinical testing. Allele origin: germline.

Baylor Genetics
Classification: Likely pathogenic for Retinitis pigmentosa 39. Last evaluated: 2023-08-07. Review status: criteria provided, single submitter. Criteria: ACMG Guidelines, 2015. Collection method: clinical testing. Allele origin: unknown.

Labcorp Genetics (formerly Invitae), Labcorp
Classification: Pathogenic. Last evaluated: 2022-01-15. Review status: criteria provided, single submitter. Criteria: Invitae Variant Classification Sherloc (09022015). Collection method: clinical testing. Allele origin: germline.
Comment: For these reasons, this variant has been classified as Pathogenic. Studies have shown that disruption of this splice site alters mRNA splicing and is expected to lead to the loss of protein expression (PMID: 20497194). ClinVar contains an entry for this variant (Variation ID: 1074239). Disruption of this splice site has been observed in individual(s) with USH2A-related conditions (PMID: 12525556). It has also been observed to segregate with disease in related individuals. This variant is not present in population databases (gnomAD no frequency). This sequence change affects an acceptor splice site in intron 10 of the USH2A gene. It is expected to disrupt RNA splicing. Variants that disrupt the donor or acceptor splice site typically lead to a loss of protein function (PMID: 16199547), and loss-of-function variants in USH2A are known to be pathogenic (PMID: 10729113, 10909849, 20507924, 25649381).

Literature cited by the submitters: PubMed 20497194 (cited by Labcorp Genetics (formerly Invitae), Labcorp); PubMed 12525556 (cited by Labcorp Genetics (formerly Invitae), Labcorp); PubMed 16199547 (cited by Labcorp Genetics (formerly Invitae), Labcorp); PubMed 10729113 (cited by Labcorp Genetics (formerly Invitae), Labcorp); PubMed 10909849 (cited by Labcorp Genetics (formerly Invitae), Labcorp); PubMed 20507924 (cited by Labcorp Genetics (formerly Invitae), Labcorp); PubMed 25649381 (cited by Labcorp Genetics (formerly Invitae), Labcorp).

NM_206933.4(USH2A):c.1841-1G>A

Gene: USH2A (usherin; minus strand). Cytogenetic location: 1q41.
Variant type: single nucleotide variant.
Coding change: c.1841-1G>A on transcript NM_206933.4 (MANE Select); the canonical splice acceptor site of the intron before coding-DNA position 1841, G replaced by A.
Molecular consequence: splice acceptor variant.
Genome position (GRCh38, 1-based): chr1:216,289,411, C>T on the plus strand (G>A on the coding strand, the complement: USH2A is on the minus strand). VCF-style: chr1-216289411-C-T. GRCh37 (hg19) VCF-style: chr1-216462753-C-T.
Other names: c.1841-1G>A (NM_007123.6).
Identifiers: ClinVar variation 1074239 (VCV001074239.11), dbSNP rs2102606531, ClinGen allele CA344902972.